The following is an entry in ClinVar:

NM_001365308.1(BMPER):c.1371C>G (p.Asp457Glu)

Gene: BMPER (BMP binding endothelial regulator; plus strand). Cytogenetic location: 7p14.3.
Variant type: single nucleotide variant.
Coding change: c.1371C>G on transcript NM_001365308.1 (MANE Select); coding-DNA position 1371, C replaced by G.
Protein change: p.Asp457Glu; replaces aspartic acid 457 with glutamic acid.
Molecular consequence: missense variant.
Genome position (GRCh38, 1-based): chr7:34,079,149, C>G. VCF-style: chr7-34079149-C-G. GRCh37 (hg19) VCF-style: chr7-34118761-C-G.
Other names: c.1371C>G, p.Asp457Glu (NM_133468.5); short protein forms D457E.
Identifiers: ClinVar variation 1419031 (VCV001419031.8), dbSNP rs758083898, ClinGen allele CA4215381.

ClinVar aggregate classification (germline): Uncertain significance (1 of 4 stars; one submission).

Allele frequency attached by ClinVar (database versions not stated): gnomAD exomes below 0.00001 and 0.00001; ExAC 0.00001.
gnomAD v4.1: 10 of 1,613,982 alleles (0.00062%); highest among the groups gnomAD compares: South Asian, 0.0044%; 1 homozygote.

Submission:

Labcorp Genetics (formerly Invitae), Labcorp
Classification: Uncertain significance. Last evaluated: 2023-10-13. Review status: criteria provided, single submitter. Criteria: Invitae Variant Classification Sherloc (09022015). Collection method: clinical testing. Allele origin: germline.
Comment: This sequence change replaces aspartic acid, which is acidic and polar, with glutamic acid, which is acidic and polar, at codon 457 of the BMPER protein (p.Asp457Glu). This variant is present in population databases (rs758083898, gnomAD 0.006%). This variant has not been reported in the literature in individuals affected with BMPER-related conditions. ClinVar contains an entry for this variant (Variation ID: 1419031). Advanced modeling of protein sequence and biophysical properties (such as structural, functional, and spatial information, amino acid conservation, physicochemical variation, residue mobility, and thermodynamic stability) performed at Invitae indicates that this missense variant is not expected to disrupt BMPER protein function. In summary, the available evidence is currently insufficient to determine the role of this variant in disease. Therefore, it has been classified as a Variant of Uncertain Significance.